The following is an entry in ClinVar:

ClinVar aggregate classification (germline): Conflicting classifications of pathogenicity. Review status: criteria provided, conflicting classifications (1 of 4 stars). 3 submissions from 3 submitters: Uncertain significance (2); Likely benign (1). Last evaluated 2025-12-05.

Conditions:
Frontometaphyseal dysplasia (FMD1). Identifiers: Orphanet 1826, MedGen C0265293, MONDO:0015942.
Oto-palato-digital syndrome, type II (OPD2). Also called: FACIOPALATOOSSEOUS SYNDROME; Otopalatodigital Syndrome, Type II; Otopalatodigital Syndrome Type 2 (FLNA-OPD2); OPD II SYNDROME. Identifiers: Orphanet 669, Orphanet 90652, MedGen C1844696, MONDO:0010571, OMIM 304120.
Heterotopia, periventricular, X-linked dominant (PVNH1). Also called: PERIVENTRICULAR NODULAR HETEROTOPIA 4; HETEROTOPIA, PERIVENTRICULAR, 1; PERIVENTRICULAR NODULAR HETEROTOPIA 1; X-linked periventricular heterotopia. Identifiers: Orphanet 2149, Orphanet 82004, MedGen C1848213, MONDO:0010233, OMIM 300049.
Melnick-Needles syndrome (MNS). Also called: Melnick-Needles Syndrome (FLNA-MNS); MELNICK-NEEDLES OSTEODYSPLASTY; OSTEODYSPLASTY OF MELNICK AND NEEDLES. Identifiers: Orphanet 2484, MedGen C0025237, MONDO:0010650, OMIM 309350.
Familial thoracic aortic aneurysm and aortic dissection (TAAD). Also called: Thoracic aortic aneurysms and dissections. Identifiers: Orphanet 91387, MedGen C4707243, MONDO:0019625.

Allele frequency attached by ClinVar (database versions not stated): TOPMed 0.00003; ExAC 0.00001; gnomAD exomes 0.00001; gnomAD 0.00002.
gnomAD v4.1: 17 of 1,210,325 alleles (0.0014%); highest among the groups gnomAD compares: Non-Finnish European, 0.0019%; no homozygotes.

Submissions (3):

Ambry Genetics
Classification: Uncertain significance for Familial thoracic aortic aneurysm and aortic dissection. Last evaluated: 2025-12-05. Review status: criteria provided, single submitter. Criteria: Ambry Variant Classification Scheme 2023. Collection method: clinical testing. Allele origin: germline.
Comment: The c.7150T>C (p.F2384L) alteration is located in exon 44 (coding exon 43) of the FLNA gene. This alteration results from a T to C substitution at nucleotide position 7150, causing the phenylalanine (F) at amino acid position 2384 to be replaced by a leucine (L). Based on data from gnomAD, the C allele has an overall frequency of 0.002% (3/203561) total alleles studied. The highest observed frequency was 0.003% (3/92182) of European (non-Finnish) alleles. Based on insufficient or conflicting evidence, the clinical significance of this alteration remains unclear.

GeneDx
Classification: Uncertain significance. Last evaluated: 2025-09-23. Review status: criteria provided, single submitter. Criteria: GeneDx Variant Classification Process June 2021. Collection method: clinical testing. Allele origin: germline. Affected: yes.
Comment: Has not been previously published as pathogenic or benign to our knowledge; In silico analysis supports that this missense variant has a deleterious effect on protein structure/function

Labcorp Genetics (formerly Invitae), Labcorp
Classification: Likely benign for Oto-palato-digital syndrome, type II; Heterotopia, periventricular, X-linked dominant; Frontometaphyseal dysplasia; Melnick-Needles syndrome. Last evaluated: 2025-06-20. Review status: criteria provided, single submitter. Criteria: Invitae Variant Classification Sherloc (09022015). Collection method: clinical testing. Allele origin: germline.

NM_001110556.2(FLNA):c.7174T>C (p.Phe2392Leu)

Gene: FLNA (filamin A; minus strand). Cytogenetic location: Xq28.
Variant type: single nucleotide variant.
Coding change: c.7174T>C on transcript NM_001110556.2 (MANE Select); coding-DNA position 7174, T replaced by C.
Protein change: p.Phe2392Leu; replaces phenylalanine 2392 with leucine.
Molecular consequence: missense variant.
Genome position (GRCh38, 1-based): chrX:154,350,190, A>G on the plus strand (T>C on the coding strand, the complement: FLNA is on the minus strand). VCF-style: chrX-154350190-A-G. GRCh37 (hg19) VCF-style: chrX-153578558-A-G.
Other names: c.7150T>C, p.Phe2384Leu (NM_001456.4); short protein forms F2392L, F2384L.
Identifiers: ClinVar variation 649832 (VCV000649832.14), dbSNP rs782645927, ClinGen allele CA10559939.